The following is an entry in ClinVar:

ClinVar aggregate classification (germline): Uncertain significance. Review status: criteria provided, multiple submitters, no conflicts (2 of 4 stars). 2 submissions from 2 submitters: Uncertain significance (2). Last evaluated 2024-09-13.

Conditions:
Hereditary antithrombin deficiency (AT3D). Also called: Antithrombin III deficiency; Thrombophilia due to antithrombin III deficiency; Antithrombin deficiency; Reduced antithrombin III activity. Identifiers: Orphanet 82, MedGen C0272375, MONDO:0013144, OMIM 613118, HP:0001976.

Submissions (2):

Blueprint Genetics
Classification: Uncertain significance. Last evaluated: 2024-09-13. Review status: criteria provided, single submitter. Criteria: ACMG Guidelines, 2015. Collection method: clinical testing. Allele origin: germline.

Juno Genomics, Hangzhou Juno Genomics, Inc
Classification: Uncertain significance for Hereditary antithrombin deficiency. Review status: criteria provided, single submitter. Criteria: ACMG Guidelines, 2015. Collection method: clinical testing. Allele origin: germline.
Comment: Multiple lines of computational evidence support a deleterious effect on the gene or gene product.;The prevalence of the variant in affected individuals is significantly increased compared to the prevalence in controls.

NM_000488.4(SERPINC1):c.938T>C (p.Met313Thr)

Gene: SERPINC1 (serpin family C member 1; minus strand). Cytogenetic location: 1q25.1.
Variant type: single nucleotide variant.
Coding change: c.938T>C on transcript NM_000488.4 (MANE Select); coding-DNA position 938, T replaced by C.
Protein change: p.Met313Thr; replaces methionine 313 with threonine.
Molecular consequence: missense variant.
Genome position (GRCh38, 1-based): chr1:173,909,767, A>G on the plus strand (T>C on the coding strand, the complement: SERPINC1 is on the minus strand). VCF-style: chr1-173909767-A-G. GRCh37 (hg19) VCF-style: chr1-173878905-A-G.
Other names: c.794T>C, p.Met265Thr (NM_001365052.2); c.1061T>C, p.Met354Thr (NM_001386302.1); c.1019T>C, p.Met340Thr (NM_001386303.1); c.917T>C, p.Met306Thr (NM_001386304.1); c.881T>C, p.Met294Thr (NM_001386305.1); c.722T>C, p.Met241Thr (NM_001386306.1); short protein forms M241T, M265T, M294T, M306T, M313T, M340T, M354T.
Identifiers: ClinVar variation 3382508 (VCV003382508.5).